The following is an entry in ClinVar:

ClinVar aggregate classification (germline): Uncertain significance. Review status: criteria provided, multiple submitters, no conflicts (2 of 4 stars). 2 submissions from 2 submitters: Uncertain significance (2). Last evaluated 2023-02-08.

Conditions:
Short-rib thoracic dysplasia 14 with polydactyly (SRTD14). Identifiers: Orphanet 397715, MedGen C4225286, MONDO:0014688, OMIM 616546.
Joubert syndrome 23 (JBTS23). Identifiers: Orphanet 475, MedGen C4084822, MONDO:0014664, OMIM 616490.

Allele frequency attached by ClinVar (database versions not stated): TOPMed below 0.00001; ExAC 0.00001; gnomAD exomes 0.00001.
gnomAD v4.1: 8 of 1,599,538 alleles (0.0005%); highest among the groups gnomAD compares: Non-Finnish European, 0.00069%; no homozygotes.

Submissions (2):

Labcorp Genetics (formerly Invitae), Labcorp
Classification: Uncertain significance for Joubert syndrome 23; Short-rib thoracic dysplasia 14 with polydactyly. Last evaluated: 2023-02-08. Review status: criteria provided, single submitter. Criteria: Invitae Variant Classification Sherloc (09022015). Collection method: clinical testing. Allele origin: germline.
Comment: This variant has not been reported in the literature in individuals affected with KIAA0586-related conditions. This sequence change replaces serine, which is neutral and polar, with phenylalanine, which is neutral and non-polar, at codon 895 of the KIAA0586 protein (p.Ser895Phe). This variant is present in population databases (rs749680733, gnomAD 0.0009%). ClinVar contains an entry for this variant (Variation ID: 1504211). Advanced modeling of protein sequence and biophysical properties (such as structural, functional, and spatial information, amino acid conservation, physicochemical variation, residue mobility, and thermodynamic stability) performed at Invitae indicates that this missense variant is expected to disrupt KIAA0586 protein function. In summary, the available evidence is currently insufficient to determine the role of this variant in disease. Therefore, it has been classified as a Variant of Uncertain Significance.

GeneDx
Classification: Uncertain significance. Last evaluated: 2022-04-22. Review status: criteria provided, single submitter. Criteria: GeneDx Variant Classification Process June 2021. Collection method: clinical testing. Allele origin: germline. Affected: yes.
Comment: In silico analysis supports that this missense variant has a deleterious effect on protein structure/function; Has not been previously published as pathogenic or benign to our knowledge

NM_001329943.3(KIAA0586):c.2525C>T (p.Ser842Phe)

Gene: KIAA0586 (KIAA0586; plus strand). Cytogenetic location: 14q23.1.
Variant type: single nucleotide variant.
Coding change: c.2525C>T on transcript NM_001329943.3 (MANE Select); coding-DNA position 2525, C replaced by T.
Protein change: p.Ser842Phe; replaces serine 842 with phenylalanine.
Molecular consequence: missense variant.
Genome position (GRCh38, 1-based): chr14:58,470,695, C>T. VCF-style: chr14-58470695-C-T. GRCh37 (hg19) VCF-style: chr14-58937413-C-T.
Other names: c.2684C>T, p.Ser895Phe (NM_001244189.2); c.2480C>T, p.Ser827Phe (NM_001244190.2); c.2270C>T, p.Ser757Phe (NM_001244191.2, NM_001329945.2, NM_001364700.1 and 1 more transcripts); c.2393C>T, p.Ser798Phe (NM_001244192.2); c.2105C>T, p.Ser702Phe (NM_001244193.2); c.2525C>T, p.Ser842Phe (NM_001329944.2, NM_001329946.2, NM_001329947.2); c.2297C>T, p.Ser766Phe (NM_014749.5); short protein forms S757F, S827F, S842F, S766F, S798F, S895F, S702F.
Identifiers: ClinVar variation 1504211 (VCV001504211.10), dbSNP rs749680733, ClinGen allele CA7205899.
Genomic context (GRCh38, chr14:58,470,695, plus strand): 5'-ACAGCATTTCAAATAGTAGTGCTGATGTCCTTTCACCTCTGTCTAGCCCCAAAGAAGCAT[C>T]TCTTCCTCCTGTGCAAACTTGGATAAAGGTATATTTCAGAATTTTATCATATTATTTTGA-3'
Protein context (NP_001316872.1, residues 832-852): LSPLSSPKEA[Ser842Phe]LPPVQTWIKT